The following is an entry in ClinVar:

ClinVar aggregate classification (germline): Benign. Review status: criteria provided, single submitter (1 of 4 stars). 2 submissions from 1 submitter: Benign (2). Last evaluated 2018-01-13.

Conditions:
Holoprosencephaly 7 (HPE7). Identifiers: Orphanet 2162, MedGen C1835820, MONDO:0012562, OMIM 610828.
Gorlin syndrome. Also called: Basal cell nevus syndrome; Nevoid Basal Cell Carcinoma Syndrome. Identifiers: Orphanet 377, MedGen C0004779, MONDO:0007187.

Allele frequency attached by ClinVar (database versions not stated): TOPMed 0.00358; 1000 Genomes Project 0.00679; 1000 Genomes Project 30x 0.00703; gnomAD exomes 0.01087; gnomAD 0.00252.
gnomAD v4.1: 219 of 152,350 alleles (0.14%); highest among the groups gnomAD compares: East Asian, 4%; 4 homozygotes.

Submissions (2):

Illumina Laboratory Services, Illumina
Classification: Benign for Basal cell nevus syndrome 1. Last evaluated: 2018-01-13. Review status: criteria provided, single submitter. Criteria: ICSL Variant Classification Criteria 13 December 2019. Collection method: clinical testing. Allele origin: germline.
Comment: This variant was observed in the ICSL laboratory as part of a predisposition screen in an ostensibly healthy population. It had not been previously curated by ICSL or reported in the Human Gene Mutation Database (HGMD: prior to June 1st, 2018), and was therefore a candidate for classification through an automated scoring system. Utilizing variant allele frequency, disease prevalence and penetrance estimates, and inheritance mode, an automated score was calculated to assess if this variant is too frequent to cause the disease. Based on the score and internal cut-off values, a variant classified as benign is not then subjected to further curation. The score for this variant resulted in a classification of benign for this disease.

Illumina Laboratory Services, Illumina
Classification: Benign for Holoprosencephaly 7. Last evaluated: 2018-01-13. Review status: criteria provided, single submitter. Criteria: ICSL Variant Classification Criteria 13 December 2019. Collection method: clinical testing. Allele origin: germline.
Comment: the same text as in the submission from Illumina Laboratory Services, Illumina above.

NM_000264.5(PTCH1):c.*1708C>T

Gene: PTCH1 (patched 1; minus strand). Cytogenetic location: 9q22.32.
Variant type: single nucleotide variant.
Coding change: c.*1708C>T on transcript NM_000264.5 (MANE Select); 1708 bases downstream of the stop codon, C replaced by T.
Molecular consequence: 3 prime UTR variant. On other transcripts: non-coding transcript variant (1).
Genome position (GRCh38, 1-based): chr9:95,444,685, G>A on the plus strand (C>T on the coding strand, the complement: PTCH1 is on the minus strand). VCF-style: chr9-95444685-G-A. GRCh37 (hg19) VCF-style: chr9-98206967-G-A.
Other names: c.*1708C>T (NM_001083602.3, NM_001083603.3, NM_001083604.3 and 4 more transcripts).
Identifiers: ClinVar variation 367639 (VCV000367639.5), dbSNP rs146131736, ClinGen allele CA10627730.